The following is an entry in ClinVar:

NM_052947.4(ALPK2):c.824C>T (p.Pro275Leu)

Genes: ALPK2 (alpha kinase 2; minus strand), LOC114803473 (ALPK2 eExon liver enhancer; plus strand). Cytogenetic location: 18q21.31.
Variant type: single nucleotide variant.
Coding change: c.824C>T on transcript NM_052947.4 (MANE Select); coding-DNA position 824, C replaced by T.
Protein change: p.Pro275Leu; replaces proline 275 with leucine.
Molecular consequence: missense variant.
Genome position (GRCh38, 1-based): chr18:58,579,952, G>A on the plus strand (C>T on the coding strand, the complement: ALPK2 is on the minus strand). VCF-style: chr18-58579952-G-A. GRCh37 (hg19) VCF-style: chr18-56247184-G-A.
Other names: short protein forms P275L.
Identifiers: ClinVar variation 1762620 (VCV001762620.2), dbSNP rs780679646, ClinGen allele CA8977379.

ClinVar aggregate classification (germline): Uncertain significance (1 of 4 stars; one submission).

Allele frequency attached by ClinVar (database versions not stated): gnomAD 0.00001; TOPMed 0.00001; ExAC 0.00003.
gnomAD v4.1: 28 of 1,614,036 alleles (0.0017%); highest among the groups gnomAD compares: Middle Eastern, 0.016%; no homozygotes.

Submission:

Ambry Genetics
Classification: Uncertain significance. Last evaluated: 2024-02-20. Review status: criteria provided, single submitter. Criteria: Ambry Variant Classification Scheme 2023. Collection method: clinical testing. Allele origin: germline.
Comment: The p.P275L variant (also known as c.824C>T), located in coding exon 3 of the ALPK2 gene, results from a C to T substitution at nucleotide position 824. The proline at codon 275 is replaced by leucine, an amino acid with similar properties. This amino acid position is conserved. In addition, this alteration is predicted to be tolerated by in silico analysis. Since supporting evidence is limited at this time, the clinical significance of this alteration remains unclear.